The following is an entry in ClinVar:

ClinVar aggregate classification (germline): Uncertain significance. Review status: criteria provided, multiple submitters, no conflicts (2 of 4 stars). 2 submissions from 2 submitters: Uncertain significance (2). Last evaluated 2025-11-20.

Conditions:
Hereditary cancer-predisposing syndrome. Also called: Neoplastic Syndromes, Hereditary; Hereditary Cancer Syndrome; Tumor predisposition; Hereditary neoplastic syndrome. Identifiers: Orphanet 140162, MedGen C0027672, MeSH D009386, MONDO:0015356.
Neuroblastoma, susceptibility to, 3. Also called: ALK-Related Neuroblastic Tumor Susceptibility. Identifiers: Orphanet 635, MedGen C2751681, MONDO:0013083, OMIM 613014.

Allele frequency attached by ClinVar (database versions not stated): gnomAD 0.00001; gnomAD exomes 0.00001; TOPMed 0.00001.
gnomAD v4.1: 10 of 1,555,864 alleles (0.00064%); highest among the groups gnomAD compares: Non-Finnish European, 0.00087%; no homozygotes.

Submissions (2):

Labcorp Genetics (formerly Invitae), Labcorp
Classification: Uncertain significance for Neuroblastoma, susceptibility to, 3. Last evaluated: 2025-11-20. Review status: criteria provided, single submitter. Criteria: Invitae Variant Classification Sherloc (09022015). Collection method: clinical testing. Allele origin: germline.
Comment: This sequence change replaces proline, which is neutral and non-polar, with serine, which is neutral and polar, at codon 115 of the ALK protein (p.Pro115Ser). This variant is present in population databases (no rsID available, gnomAD 0.002%). This variant has not been reported in the literature in individuals affected with ALK-related conditions. ClinVar contains an entry for this variant (Variation ID: 582424). An algorithm developed to predict the effect of missense changes on protein structure and function (PolyPhen-2) suggests that this variant is likely to be tolerated. In summary, the available evidence is currently insufficient to determine the role of this variant in disease. Therefore, it has been classified as a Variant of Uncertain Significance.

Ambry Genetics
Classification: Uncertain significance for Hereditary cancer-predisposing syndrome. Last evaluated: 2024-11-23. Review status: criteria provided, single submitter. Criteria: Ambry Variant Classification Scheme 2023. Collection method: clinical testing. Allele origin: germline.

NM_004304.5(ALK):c.343C>T (p.Pro115Ser)

Gene: ALK (ALK receptor tyrosine kinase; minus strand). Cytogenetic location: 2p23.1.
Variant type: single nucleotide variant.
Coding change: c.343C>T on transcript NM_004304.5 (MANE Select); coding-DNA position 343, C replaced by T.
Protein change: p.Pro115Ser; replaces proline 115 with serine.
Molecular consequence: missense variant.
Genome position (GRCh38, 1-based): chr2:29,920,317, G>A on the plus strand (C>T on the coding strand, the complement: ALK is on the minus strand). VCF-style: chr2-29920317-G-A. GRCh37 (hg19) VCF-style: chr2-30143183-G-A.
Other names: short protein forms P115S.
Identifiers: ClinVar variation 582424 (VCV000582424.15), dbSNP rs1023682229, ClinGen allele CA346590224.